The following is an entry in ClinVar:

ClinVar aggregate classification (germline): Pathogenic (1 of 4 stars; one submission).

Submission:

ISCA site 17
Classification: Pathogenic. Last evaluated: 2011-08-12. Review status: criteria provided, single submitter. Criteria: Kaminsky et al. (Genet Med. 2011). Collection method: clinical testing. Allele origin: unknown. Affected: yes. Observed: 1 variant allele.
Comment: Copy number variation identified through the course of routine clinical cytogenomic testing in postnatal populations. Clinical assertions have been curated as described in Kaminsky et al. 2011.

GRCh38/hg38 Yp11.2-q11.23(chrY:2786811-26483746)x2

Genes: AMELY (amelogenin Y-linked; minus strand), BPY2 (basic charge Y-linked 2; plus strand), BPY2B (basic charge Y-linked 2B; plus strand), BPY2C (basic charge Y-linked 2C; minus strand), CDY1 (chromodomain Y-linked 1; plus strand) and 122 more. Cytogenetic location: Yp11.2-q11.23.
Variant type: copy number gain.
Change: copy number 2 of chrY:2,786,811-26,483,746 (23.70 Mb, GRCh38 coordinates, 1-based), cytogenetic band Yp11.2-q11.23.
Identifiers: ClinVar variation 58799 (VCV000058799.1).